The following is an entry in ClinVar:

NM_001093.4(ACACB):c.3758T>C (p.Met1253Thr)

Gene: ACACB (acetyl-CoA carboxylase beta; plus strand). Cytogenetic location: 12q24.11.
Variant type: single nucleotide variant.
Coding change: c.3758T>C on transcript NM_001093.4 (MANE Select); coding-DNA position 3758, T replaced by C.
Protein change: p.Met1253Thr; replaces methionine 1253 with threonine.
Molecular consequence: missense variant.
Genome position (GRCh38, 1-based): chr12:109,222,878, T>C. VCF-style: chr12-109222878-T-C. GRCh37 (hg19) VCF-style: chr12-109660683-T-C.
Other names: c.3758T>C, p.Met1253Thr (NM_001412734.1, NM_001412735.1); c.3152T>C, p.Met1051Thr (NM_001412736.1, NM_001412739.1, NM_001412741.1); c.3131T>C, p.Met1044Thr (NM_001412737.1); c.2963T>C, p.Met988Thr (NM_001412738.1); short protein forms M1044T, M1051T, M1253T, M988T.
Identifiers: ClinVar variation 3349599 (VCV003349599.1).

ClinVar aggregate classification (germline): Uncertain significance (0 of 4 stars; one submission).

Conditions:
ACACB-related disorder. Also called: ACACB-related condition.

Submission:

PreventionGenetics, part of Exact Sciences
Classification: Uncertain significance for ACACB-related condition. Last evaluated: 2024-03-06. Review status: no assertion criteria provided. Collection method: clinical testing. Allele origin: germline.
Comment: The ACACB c.3758T>C variant is predicted to result in the amino acid substitution p.Met1253Thr. To our knowledge, this variant has not been reported in the literature. This variant is reported in 0.011% of alleles in individuals of African descent in gnomAD. At this time, the clinical significance of this variant is uncertain due to the absence of conclusive functional and genetic evidence.